The following is an entry in ClinVar:

NM_005228.5(EGFR):c.326G>C (p.Gly109Ala)

Gene: EGFR (epidermal growth factor receptor; plus strand). Cytogenetic location: 7p11.2.
Variant type: single nucleotide variant.
Coding change: c.326G>C on transcript NM_005228.5 (MANE Select); coding-DNA position 326, G replaced by C.
Protein change: p.Gly109Ala; replaces glycine 109 with alanine.
Molecular consequence: missense variant. On other transcripts: intron variant (1).
Genome position (GRCh38, 1-based): chr7:55,143,390, G>C. VCF-style: chr7-55143390-G-C. GRCh37 (hg19) VCF-style: chr7-55211083-G-C.
Other names: c.326G>C, p.Gly109Ala (NM_001346897.2, NM_001346898.2, NM_001346899.2 and 3 more transcripts); c.167G>C, p.Gly56Ala (NM_001346900.2); c.89-12440G>C (NM_001346941.2); short protein forms G109A, G56A.
Identifiers: ClinVar variation 848304 (VCV000848304.7), dbSNP rs145113601, ClinGen allele CA4265181.

ClinVar aggregate classification (germline): Uncertain significance. Review status: criteria provided, multiple submitters, no conflicts (2 of 4 stars). 2 submissions from 2 submitters: Uncertain significance (2). Last evaluated 2025-06-14.

Conditions:
EGFR-related lung cancer (EGFR). Identifiers: MedGen CN130014.
Hereditary cancer-predisposing syndrome. Also called: Tumor predisposition; Neoplastic Syndromes, Hereditary; Hereditary neoplastic syndrome; Hereditary Cancer Syndrome. Identifiers: Orphanet 140162, MedGen C0027672, MeSH D009386, MONDO:0015356.

Allele frequency attached by ClinVar (database versions not stated): gnomAD exomes below 0.00001 and 0.00002; ExAC 0.00002; gnomAD 0.00004 and 0.00005; TOPMed 0.00004; ESP Exome Variant Server 0.00008.
gnomAD v4.1: 11 of 1,614,066 alleles (0.00068%); highest among the groups gnomAD compares: African/African-American, 0.013%; no homozygotes.

Submissions (2):

Labcorp Genetics (formerly Invitae), Labcorp
Classification: Uncertain significance for EGFR-related lung cancer. Last evaluated: 2025-06-14. Review status: criteria provided, single submitter. Criteria: Invitae Variant Classification Sherloc (09022015). Collection method: clinical testing. Allele origin: germline.
Comment: This sequence change replaces glycine, which is neutral and non-polar, with alanine, which is neutral and non-polar, at codon 109 of the EGFR protein (p.Gly109Ala). This variant is present in population databases (rs145113601, gnomAD 0.03%). This variant has not been reported in the literature in individuals affected with EGFR-related conditions. ClinVar contains an entry for this variant (Variation ID: 848304). Invitae Evidence Modeling of protein sequence and biophysical properties (such as structural, functional, and spatial information, amino acid conservation, physicochemical variation, residue mobility, and thermodynamic stability) indicates that this missense variant is expected to disrupt EGFR protein function with a positive predictive value of 80%. In summary, the available evidence is currently insufficient to determine the role of this variant in disease. Therefore, it has been classified as a Variant of Uncertain Significance.

Ambry Genetics
Classification: Uncertain significance for Hereditary cancer-predisposing syndrome. Last evaluated: 2024-10-28. Review status: criteria provided, single submitter. Criteria: Ambry Variant Classification Scheme 2023. Collection method: clinical testing. Allele origin: germline.
Comment: The p.G109A variant (also known as c.326G>C), located in coding exon 3 of the EGFR gene, results from a G to C substitution at nucleotide position 326. The glycine at codon 109 is replaced by alanine, an amino acid with similar properties. This amino acid position is highly conserved in available vertebrate species. In addition, this alteration is predicted to be deleterious by in silico analysis. Based on the available evidence, the clinical significance of this variant remains unclear.